The following is an entry in ClinVar:

NM_001267550.2(TTN):c.72906T>A (p.Ala24302=)

Genes: TTN (titin; minus strand), TTN-AS1 (TTN antisense RNA 1; plus strand). Cytogenetic location: 2q31.2.
Variant type: single nucleotide variant.
Coding change: c.72906T>A on transcript NM_001267550.2 (MANE Select); coding-DNA position 72906, T replaced by A.
Protein change: p.Ala24302=; no amino-acid change (alanine 24302 retained).
Molecular consequence: synonymous variant.
Genome position (GRCh38, 1-based): chr2:178,573,226, A>T on the plus strand (T>A on the coding strand, the complement: TTN is on the minus strand). VCF-style: chr2-178573226-A-T. GRCh37 (hg19) VCF-style: chr2-179437953-A-T.
Other names: c.67983T>A, p.Ala22661= (NM_001256850.1); c.45711T>A, p.Ala15237= (NM_003319.4); c.65202T>A, p.Ala21734= (NM_133378.4); c.46086T>A, p.Ala15362= (NM_133432.3); c.46287T>A, p.Ala15429= (NM_133437.4).
Identifiers: ClinVar variation 287955 (VCV000287955.29), dbSNP rs773886758, ClinGen allele CA1990440.
Genomic context (GRCh38, chr2:178,573,226, plus strand): 5'-AAACACAGTGTCACAAGCCTTGTAAAATGGACTGGTAGGACTTGGTGCACTAATTCCAGC[A>T]GCATTTTCAGCCATAATCCTGAACTCATATTCATGTCCTTCTGTCAGTCCAGACACTTTA-3'
Protein context (NP_001254479.2, residues 24292-24312): EYEFRIMAEN[Ala24302=]AGISAPSPTS

ClinVar aggregate classification (germline): Benign/Likely benign. Review status: criteria provided, multiple submitters, no conflicts (2 of 4 stars). 11 submissions from 8 submitters: Benign (7); Likely benign (4). Last evaluated 2026-09-01.

Conditions:
Cardiovascular phenotype. Identifiers: MedGen CN230736.
Dilated cardiomyopathy 1G (CMD1G). Identifiers: Orphanet 154, MedGen C1858763, MONDO:0011400, OMIM 604145.
Autosomal recessive limb-girdle muscular dystrophy type 2J (LGMDR10). Also called: MUSCULAR DYSTROPHY, LIMB-GIRDLE, AUTOSOMAL RECESSIVE 10; Limb-girdle muscular dystrophy, type 2J. Identifiers: Orphanet 140922, MedGen C1837342, MONDO:0012127, OMIM 608807.
TTN-related disorder. Also called: TTN-related condition; TTN-related disease; TTN-related disorders.
Tibial muscular dystrophy (TMD). Also called: Tibial muscular dystrophy, tardive; Udd Distal Myopathy – Tibial Muscular Dystrophy; UDD MYOPATHY. Identifiers: Orphanet 609, MedGen C1838244, MONDO:0010870, OMIM 600334.
Myopathy, myofibrillar, 9, with early respiratory failure (MFM9). Also called: Myopathy, distal, with early respiratory failure, autosomal dominant; EDSTROM MYOPATHY; MYOPATHY, PROXIMAL, WITH EARLY RESPIRATORY MUSCLE INVOLVEMENT; Hereditary myopathy with early respiratory failure. Identifiers: Orphanet 178464, Orphanet 34521, MedGen C1863599, MONDO:0011362, OMIM 603689.
Early-onset myopathy with fatal cardiomyopathy (CMYO5). Also called: Salih Myopathy; CONGENITAL MYOPATHY 5 WITH CARDIOMYOPATHY. Identifiers: Orphanet 289377, MedGen C2673677, MONDO:0012714, OMIM 611705. Disease mechanism: loss of function.

Allele frequency attached by ClinVar (database versions not stated): TOPMed 0.00012; gnomAD 0.00013; ExAC 0.00038; gnomAD exomes 0.00041.
gnomAD v4.1: 117 of 1,606,810 alleles (0.0073%); highest among the groups gnomAD compares: Admixed American, 0.19%; 2 homozygotes.

Submissions (11):

CeGaT Center for Human Genetics Tuebingen
Classification: Likely benign. Last evaluated: 2026-09-01. Review status: criteria provided, single submitter. Criteria: CeGaT Center For Human Genetics Tuebingen Variant Classification Criteria Version 2. Collection method: clinical testing. Allele origin: germline. Affected: yes. Observed: 7 variant alleles.
Comment: TTN: BP4, BP7

Labcorp Genetics (formerly Invitae), Labcorp
Classification: Benign for Dilated cardiomyopathy 1G; Autosomal recessive limb-girdle muscular dystrophy type 2J. Last evaluated: 2026-02-01. Review status: criteria provided, single submitter. Criteria: Invitae Variant Classification Sherloc (09022015). Collection method: clinical testing. Allele origin: germline.

PreventionGenetics, part of Exact Sciences
Classification: Likely benign for TTN-related condition. Last evaluated: 2025-01-10. Review status: criteria provided, single submitter. Criteria: ACMG Guidelines, 2015. Collection method: clinical testing. Allele origin: germline.
Comment: This variant is classified as likely benign based on ACMG/AMP sequence variant interpretation guidelines (Richards et al. 2015 PMID: 25741868, with internal and published modifications).

ARUP Laboratories, Molecular Genetics and Genomics, ARUP Laboratories
Classification: Benign. Last evaluated: 2023-09-28. Review status: criteria provided, single submitter. Criteria: ARUP Molecular Germline Variant Investigation Process 2024. Collection method: clinical testing. Allele origin: germline.

Genome-Nilou Lab
Classification: Benign for Autosomal recessive limb-girdle muscular dystrophy type 2J. Last evaluated: 2021-09-10. Review status: criteria provided, single submitter. Criteria: ACMG Guidelines, 2015. Collection method: clinical testing. Allele origin: germline. Affected: no.

Genome-Nilou Lab
Classification: Benign for Myopathy, myofibrillar, 9, with early respiratory failure. Last evaluated: 2021-09-10. Review status: criteria provided, single submitter. Criteria: ACMG Guidelines, 2015. Collection method: clinical testing. Allele origin: germline. Affected: no.

Genome-Nilou Lab
Classification: Benign for Early-onset myopathy with fatal cardiomyopathy. Last evaluated: 2021-09-10. Review status: criteria provided, single submitter. Criteria: ACMG Guidelines, 2015. Collection method: clinical testing. Allele origin: germline. Affected: no.

Genome-Nilou Lab
Classification: Benign for Tibial muscular dystrophy. Last evaluated: 2021-09-10. Review status: criteria provided, single submitter. Criteria: ACMG Guidelines, 2015. Collection method: clinical testing. Allele origin: germline. Affected: no.

Ambry Genetics
Classification: Likely benign for Cardiovascular phenotype. Last evaluated: 2019-10-21. Review status: criteria provided, single submitter. Criteria: Ambry Variant Classification Scheme 2023. Collection method: clinical testing. Allele origin: germline.

GeneDx
Classification: Likely benign. Last evaluated: 2018-05-22. Review status: criteria provided, single submitter. Criteria: GeneDx Variant Classification Process June 2021. Collection method: clinical testing. Allele origin: germline. Affected: yes.

Eurofins Ntd Llc (ga)
Classification: Benign. Last evaluated: 2016-05-12. Review status: criteria provided, single submitter. Criteria: EGL Classification Definitions 2015. Collection method: clinical testing. Allele origin: germline. Observed: 1 variant allele, 1 heterozygote.